The following is an entry in ClinVar:

ClinVar aggregate classification (germline): Uncertain significance. Review status: criteria provided, multiple submitters, no conflicts (2 of 4 stars). 2 submissions from 2 submitters: Uncertain significance (2). Last evaluated 2025-08-24.

Conditions:
Inborn genetic diseases. Identifiers: MedGen C0950123, MeSH D030342.

Allele frequency attached by ClinVar (database versions not stated): ExAC 0.00001; gnomAD exomes 0.00001.
gnomAD v4.1: 3 of 1,613,894 alleles (0.00019%); highest among the groups gnomAD compares: South Asian, 0.0011%; no homozygotes.

Submissions (2):

Ambry Genetics
Classification: Uncertain significance for Inborn genetic diseases. Last evaluated: 2025-08-24. Review status: criteria provided, single submitter. Criteria: Ambry Variant Classification Scheme 2023. Collection method: clinical testing. Allele origin: germline.

Labcorp Genetics (formerly Invitae), Labcorp
Classification: Uncertain significance. Last evaluated: 2022-05-25. Review status: criteria provided, single submitter. Criteria: Invitae Variant Classification Sherloc (09022015). Collection method: clinical testing. Allele origin: germline.
Comment: This sequence change replaces leucine, which is neutral and non-polar, with methionine, which is neutral and non-polar, at codon 673 of the DENND5A protein (p.Leu673Met). This variant has not been reported in the literature in individuals affected with DENND5A-related conditions. In summary, the available evidence is currently insufficient to determine the role of this variant in disease. Therefore, it has been classified as a Variant of Uncertain Significance. Algorithms developed to predict the effect of missense changes on protein structure and function are either unavailable or do not agree on the potential impact of this missense change (SIFT: "Tolerated"; PolyPhen-2: "Probably Damaging"; Align-GVGD: "Class C0"). This variant is present in population databases (rs763748455, gnomAD 0.0009%).

NM_015213.4(DENND5A):c.2017C>A (p.Leu673Met)

Gene: DENND5A (DENN domain containing 5A; minus strand). Cytogenetic location: 11p15.4.
Variant type: single nucleotide variant.
Coding change: c.2017C>A on transcript NM_015213.4 (MANE Select); coding-DNA position 2017, C replaced by A.
Protein change: p.Leu673Met; replaces leucine 673 with methionine.
Molecular consequence: missense variant. On other transcripts: non-coding transcript variant (1).
Genome position (GRCh38, 1-based): chr11:9,170,667, G>T on the plus strand (C>A on the coding strand, the complement: DENND5A is on the minus strand). VCF-style: chr11-9170667-G-T. GRCh37 (hg19) VCF-style: chr11-9192214-G-T.
Other names: c.2017C>A, p.Leu673Met (NM_001243254.2, NM_001348748.1); c.1945C>A, p.Leu649Met (NM_001348749.2); c.1729C>A, p.Leu577Met (NM_001348750.2); c.2017C>A (NM_015213.3); short protein forms L649M, L577M, L673M.
Identifiers: ClinVar variation 1998589 (VCV001998589.5), dbSNP rs763748455, ClinGen allele CA5877462.